The following is an entry in ClinVar:

ClinVar aggregate classification (germline): Uncertain significance. Review status: criteria provided, multiple submitters, no conflicts (2 of 4 stars). 3 submissions from 3 submitters: Uncertain significance (3). Last evaluated 2024-04-22.

Conditions:
Inborn genetic diseases. Identifiers: MedGen C0950123, MeSH D030342.
Dyskeratosis congenita, autosomal dominant 6 (DKCA6). Identifiers: Orphanet 3322, MedGen C4225284, MONDO:0014690, OMIM 616553.

Allele frequency attached by ClinVar (database versions not stated): ExAC 0.00001; gnomAD 0.00001.

Submissions (3):

Ambry Genetics
Classification: Uncertain significance for Inborn genetic diseases. Last evaluated: 2024-04-22. Review status: criteria provided, single submitter. Criteria: Ambry Variant Classification Scheme 2023. Collection method: clinical testing. Allele origin: germline.
Comment: The p.Y203C variant (also known as c.608A>G), located in coding exon 4 of the ACD gene, results from an A to G substitution at nucleotide position 608. The tyrosine at codon 203 is replaced by cysteine, an amino acid with highly dissimilar properties. This amino acid position is conserved. In addition, this alteration is predicted to be tolerated by in silico analysis. Since supporting evidence is limited at this time, the clinical significance of this alteration remains unclear.

Labcorp Genetics (formerly Invitae), Labcorp
Classification: Uncertain significance for Dyskeratosis congenita, autosomal dominant 6. Last evaluated: 2018-12-09. Review status: criteria provided, single submitter. Criteria: Invitae Variant Classification Sherloc (09022015). Collection method: clinical testing. Allele origin: germline.
Comment: In summary, the available evidence is currently insufficient to determine the role of this variant in disease. Therefore, it has been classified as a Variant of Uncertain Significance. Algorithms developed to predict the effect of missense changes on protein structure and function output the following: SIFT: "Deleterious"; PolyPhen-2: "Possibly Damaging"; Align-GVGD: "Class C0". The cysteine amino acid residue is found in multiple mammalian species, suggesting that this missense change does not adversely affect protein function. These predictions have not been confirmed by published functional studies and their clinical significance is uncertain. This variant has not been reported in the literature in individuals with ACD-related conditions. This variant is present in population databases (rs775602659, ExAC 0.01%). This sequence change replaces tyrosine with cysteine at codon 203 of the ACD protein (p.Tyr203Cys). The tyrosine residue is highly conserved and there is a large physicochemical difference between tyrosine and cysteine.

Blueprint Genetics
Classification: Uncertain significance. Last evaluated: 2018-06-11. Review status: criteria provided, single submitter. Criteria: ACMG Guidelines, 2015. Collection method: clinical testing. Allele origin: germline.

NM_001082486.2(ACD):c.350A>G (p.Tyr117Cys)

Gene: ACD (ACD shelterin complex subunit and telomerase recruitment factor; minus strand). Cytogenetic location: 16q22.1.
Variant type: single nucleotide variant.
Coding change: c.350A>G on transcript NM_001082486.2 (MANE Select); coding-DNA position 350, A replaced by G.
Protein change: p.Tyr117Cys; replaces tyrosine 117 with cysteine.
Molecular consequence: missense variant.
Genome position (GRCh38, 1-based): chr16:67,659,600, T>C on the plus strand (A>G on the coding strand, the complement: ACD is on the minus strand). VCF-style: chr16-67659600-T-C. GRCh37 (hg19) VCF-style: chr16-67693503-T-C.
Other names: c.350A>G, p.Tyr117Cys (LRG_1237t1); c.341A>G, p.Tyr114Cys (NM_022914.3); short protein forms Y114C, Y117C.
Identifiers: ClinVar variation 657744 (VCV000657744.12), dbSNP rs775602659, ClinGen allele CA8114731.